The following is an entry in ClinVar:

NM_024312.5(GNPTAB):c.368_378del (p.Glu123fs)

Gene: GNPTAB (N-acetylglucosamine-1-phosphate transferase subunits alpha and beta; minus strand). Cytogenetic location: 12q23.2.
Variant type: Deletion.
Coding change: c.368_378del on transcript NM_024312.5 (MANE Select); coding-DNA positions 368 to 378, 11 bases deleted (AGAAGCAGTTA).
Protein change: p.Glu123fs; shifts the reading frame from glutamic acid 123.
Molecular consequence: frameshift variant.
Genome position (GRCh38, 1-based): chr12:101,786,205-101,786,215, TAACTGCTTCT deleted on the plus strand (AGAAGCAGTTA on the coding strand, the reverse complement: GNPTAB is on the minus strand). VCF-style (leftmost placement, unchanged base first): chr12-101786204-CTAACTGCTTCT-C. GRCh37 (hg19) VCF-style: chr12-102179982-CTAACTGCTTCT-C.
Other names: short protein forms E123fs.
Identifiers: ClinVar variation 5014319 (VCV005014319.1).
Genomic context (GRCh38, chr12:101,786,204, plus strand): 5'-CTGGCAGGGCTGGGTCCAGGACAAGCATTGGCACCTTAATGCAGTGTGTTAGCAAACACT[CTAACTGCTTCT>C]CACTGGAAAGAAACACCAACATGCTTACAATTACATTCTTGAAATTTAATCAGCAATGAG-3'

ClinVar aggregate classification (germline): Pathogenic (1 of 4 stars; one submission).

Conditions:
GNPTAB-mucolipidosis. Also called: UDP-N-acetylglucosamine-1-phosphotransferase subunit alpha/beta deficiency. Identifiers: MedGen CN322573, MONDO:0100122.

Submission:

Myriad Genetics, Inc.
Classification: Pathogenic for GNPTAB-mucolipidosis. Last evaluated: 2025-04-09. Review status: criteria provided, single submitter. Criteria: Myriad Autosomal Dominant, Autosomal Recessive and X-Linked Classification Criteria (2023). Collection method: clinical testing. Allele origin: unknown.
Comment: NM_024312.4(GNPTAB):c.368_378del11(E123Gfs*9) is expected to be pathogenic in the context of GNPTAB-related disorders. This variant is predicted to lead to an abnormal or absent protein product due to the creation of a premature termination codon in GNPTAB, a gene where loss-of-function variants are known to be pathogenic. Please note: this variant was assessed in the context of healthy population screening.